The following is an entry in ClinVar:

ClinVar aggregate classification (germline): Benign/Likely benign. Review status: criteria provided, multiple submitters, no conflicts (2 of 4 stars). 12 submissions from 12 submitters: Benign (1); Likely benign (8). 3 of the submissions do not count toward it. Last evaluated 2026-02-03.

Conditions:
PALB2-related disorder. Also called: PALB2-related disorders; PALB2-related condition.
Hereditary cancer-predisposing syndrome. Also called: Hereditary neoplastic syndrome; Tumor predisposition; Hereditary Cancer Syndrome; Neoplastic Syndromes, Hereditary. Identifiers: Orphanet 140162, MedGen C0027672, MeSH D009386, MONDO:0015356.
Familial cancer of breast. Also called: hereditary breast carcinoma; Hereditary breast cancer; BREAST CANCER, FAMILIAL. Identifiers: Orphanet 227535, MedGen C0346153, MONDO:0016419, OMIM 114480. Disease mechanism: loss of function.

Allele frequency attached by ClinVar (database versions not stated): gnomAD exomes below 0.00001.
gnomAD v4.1: 6 of 1,614,212 alleles (0.00037%); highest among the groups gnomAD compares: Non-Finnish European, 0.000085%; no homozygotes.

Submissions (12):

Labcorp Genetics (formerly Invitae), Labcorp
Classification: Likely benign for Familial cancer of breast. Last evaluated: 2026-02-03. Review status: criteria provided, single submitter. Criteria: Invitae Variant Classification Sherloc (09022015). Collection method: clinical testing. Allele origin: germline.

Center for Genomic Medicine, Rigshospitalet, Copenhagen University Hospital
Classification: Likely benign. Last evaluated: 2025-03-04. Review status: criteria provided, single submitter. Criteria: ACMG Guidelines, 2015. Collection method: clinical testing. Allele origin: germline.

Quest Diagnostics Nichols Institute San Juan Capistrano
Classification: Likely benign. Last evaluated: 2024-12-24. Review status: criteria provided, single submitter. Criteria: Quest Diagnostics criteria. Collection method: clinical testing. Allele origin: unknown.

Myriad Genetics, Inc.
Classification: Benign for Familial cancer of breast. Last evaluated: 2023-03-30. Review status: criteria provided, single submitter. Criteria: Myriad Autosomal Dominant, Autosomal Recessive and X-Linked Classification Criteria (2023). Collection method: clinical testing. Allele origin: unknown.
Comment: This variant is considered benign. This variant is a silent/synonymous amino acid change and it is not expected to impact splicing.

Sema4
Classification: Likely benign for Hereditary cancer-predisposing syndrome. Last evaluated: 2022-02-26. Review status: criteria provided, single submitter. Criteria: Sema4 Curation Guidelines. Collection method: curation. Allele origin: germline.

Women's Health and Genetics/Laboratory Corporation of America, LabCorp
Classification: Likely benign. Last evaluated: 2019-08-29. Review status: criteria provided, single submitter. Criteria: LabCorp Variant Classification Summary - May 2015. Collection method: clinical testing. Allele origin: germline.

Color Diagnostics, LLC DBA Color Health
Classification: Likely benign for Hereditary cancer-predisposing syndrome. Last evaluated: 2017-12-24. Review status: criteria provided, single submitter. Criteria: ACMG Guidelines, 2015. Collection method: clinical testing. Allele origin: germline.

GeneDx
Classification: Likely benign. Last evaluated: 2017-07-02. Review status: criteria provided, single submitter. Criteria: GeneDx Variant Classification (06012015). Collection method: clinical testing. Allele origin: germline. Affected: yes.
Comment: This variant is considered likely benign or benign based on one or more of the following criteria: it is a conservative change, it occurs at a poorly conserved position in the protein, it is predicted to be benign by multiple in silico algorithms, and/or has population frequency not consistent with disease.

Ambry Genetics
Classification: Likely benign for Hereditary cancer-predisposing syndrome. Last evaluated: 2015-08-05. Review status: criteria provided, single submitter. Criteria: Ambry Variant Classification Scheme 2023. Collection method: clinical testing. Allele origin: germline.

PreventionGenetics, part of Exact Sciences
Classification: Likely benign for PALB2-related condition. Last evaluated: 2023-05-30. Review status: no assertion criteria provided. Collection method: clinical testing. Allele origin: germline. Not counted in ClinVar's aggregate classification.
Comment: This variant is classified as likely benign based on ACMG/AMP sequence variant interpretation guidelines (Richards et al. 2015 PMID: 25741868, with internal and published modifications).

Counsyl
Classification: Likely benign for Familial cancer of breast. Last evaluated: 2018-03-14. Review status: no assertion criteria provided. Collection method: clinical testing. Allele origin: unknown. Not counted in ClinVar's aggregate classification.

Department of Pathology and Laboratory Medicine, Sinai Health System
Classification: Likely benign. Review status: no assertion criteria provided. Collection method: clinical testing. Allele origin: unknown. Affected: yes. Study: The Canadian Open Genetics Repository (COGR). Not counted in ClinVar's aggregate classification.
Comment: The PALB2 p.Leu823= variant (c.2469C>A, an alternate substitution) was identified in 1 of 1494 proband chromosomes (frequency: 0.0007) from Australian individuals or families with BRCA1/2 negative breast cancer (Teo 2013). The variant was also identified in ClinVar (classified likely benign by Invitae, GeneDx and Ambry Genetics) and Clinvitae (2x); and was not identified in dbSNP, Cosmic, MutDB, LOVD 3.0, Zhejiang Colon Cancer Database, the 1000 Genomes Project, the NHLBI GO Exome Sequencing Project, the Exome Aggregation Consortium (August 8th 2016), or the Genome Aggregation Database (Feb 27, 2017). The p.Leu823= variant is not expected to have clinical significance because it does not result in a change of amino acid and is not located in a known consensus splice site. In addition, in silico or computational prediction software programs (SpliceSiteFinder, MaxEntScan, NNSPLICE, GeneSplicer, HumanSpliceFinder) do not predict a difference in splicing. In summary, based on the above information the clinical significance of this variant cannot be determined with certainty at this time although we would lean towards a more benign role for this variant. This variant is classified as likely benign.

NM_024675.4(PALB2):c.2469C>G (p.Leu823=)

Gene: PALB2 (partner and localizer of BRCA2; minus strand). Cytogenetic location: 16p12.2.
Variant type: single nucleotide variant.
Coding change: c.2469C>G on transcript NM_024675.4 (MANE Select); coding-DNA position 2469, C replaced by G.
Protein change: p.Leu823=; no amino-acid change (leucine 823 retained).
Molecular consequence: synonymous variant.
Genome position (GRCh38, 1-based): chr16:23,629,685, G>C on the plus strand (C>G on the coding strand, the complement: PALB2 is on the minus strand). VCF-style: chr16-23629685-G-C. GRCh37 (hg19) VCF-style: chr16-23641006-G-C.
Identifiers: ClinVar variation 220617 (VCV000220617.27), dbSNP rs515726087, ClinGen allele CA349748.
Genomic context (GRCh38, chr16:23,629,685, plus strand): 5'-GGAAATGGATTGTACCTGTTCGACGGAATGTTTATGCAGCTCCTGGCATGTGTTTCTACA[G>C]AGCTGATTTTCTTTAAAAGTGAATGACTCAATGGGTGGAGGTGTTCCTGGCGGGACAGAG-3'
Protein context (NP_078951.2, residues 813-833): IESFTFKENQ[Leu823=]CRNTCQELHK